The following is an entry in ClinVar:

ClinVar aggregate classification (germline): Likely pathogenic. Review status: criteria provided, multiple submitters, no conflicts (2 of 4 stars). 2 submissions from 2 submitters: Likely pathogenic (2). Last evaluated 2022-01-17.

Conditions:
Autosomal dominant Alport syndrome (ATS3A). Also called: ALPORT SYNDROME 3A, AUTOSOMAL DOMINANT; Alport syndrome dominant type; Renal failure and sensorineural hearing loss. Identifiers: Orphanet 63, Orphanet 88918, MedGen C5882663, MONDO:0007086, OMIM 104200.
Autosomal recessive Alport syndrome (ATS2). Also called: Alport syndrome type 2; COL4A3-Related Nephropathy; ALPORT SYNDROME 2, AUTOSOMAL RECESSIVE; COL4A4 Alport Syndrome and Thin Basement Membrane Nephropathy. Identifiers: Orphanet 63, Orphanet 88919, MedGen C4746745, MONDO:0008762, OMIM 203780.
Benign familial hematuria. Also called: thin basement membrane disease. Identifiers: MedGen C0241908, MONDO:0957317.

Submissions (2):

Fulgent Genetics
Classification: Likely pathogenic for Autosomal dominant Alport syndrome; Hematuria, benign familial, 1; Autosomal recessive Alport syndrome. Last evaluated: 2022-01-17. Review status: criteria provided, single submitter. Criteria: ACMG Guidelines, 2015. Collection method: clinical testing. Allele origin: unknown.

Labcorp Genetics (formerly Invitae), Labcorp
Classification: Likely pathogenic. Last evaluated: 2021-08-04. Review status: criteria provided, single submitter. Criteria: Invitae Variant Classification Sherloc (09022015). Collection method: clinical testing. Allele origin: germline.
Comment: This variant is not present in population databases (ExAC no frequency). This sequence change affects a donor splice site in intron 36 of the COL4A3 gene. It is expected to disrupt RNA splicing. Variants that disrupt the donor or acceptor splice site typically lead to a loss of protein function (PMID: 16199547), and loss-of-function variants in COL4A3 are known to be pathogenic (PMID: 8956999, 24854265, 26809805, 27281700). This variant has not been reported in the literature in individuals affected with COL4A3-related conditions. In summary, the currently available evidence indicates that the variant is pathogenic, but additional data are needed to prove that conclusively. Therefore, this variant has been classified as Likely Pathogenic. Algorithms developed to predict the effect of sequence changes on RNA splicing suggest that this variant may disrupt the consensus splice site.

Literature cited by the submitters: PubMed 16199547 (cited by Labcorp Genetics (formerly Invitae), Labcorp); PubMed 8956999 (cited by Labcorp Genetics (formerly Invitae), Labcorp); PubMed 24854265 (cited by Labcorp Genetics (formerly Invitae), Labcorp); PubMed 26809805 (cited by Labcorp Genetics (formerly Invitae), Labcorp); PubMed 27281700 (cited by Labcorp Genetics (formerly Invitae), Labcorp).

NM_000091.5(COL4A3):c.3070+1G>A

Genes: COL4A3 (collagen type IV alpha 3 chain; plus strand), MFF-DT (MFF divergent transcript; minus strand). Cytogenetic location: 2q36.3.
Variant type: single nucleotide variant.
Coding change: c.3070+1G>A on transcript NM_000091.5 (MANE Select); the canonical splice donor site of the intron after coding-DNA position 3070, G replaced by A.
Molecular consequence: splice donor variant.
Genome position (GRCh38, 1-based): chr2:227,290,089, G>A. VCF-style: chr2-227290089-G-A. GRCh37 (hg19) VCF-style: chr2-228154805-G-A.
Identifiers: ClinVar variation 1476679 (VCV001476679.7), dbSNP rs2106206598, ClinGen allele CA350855300.
Genomic context (GRCh38, chr2:227,290,089, plus strand): 5'-ATCCTGGAGAACCAGGACTGCGTGGTATACCAGGAAGCATGGGGAACATGGGCATGCCAG[G>A]TAATGCATAAGGTCCTGTTATGAGCCCACAAGCTCATGATGGGTGAGGACTCCAGATTTT-3'